The following is an entry in ClinVar:

ClinVar aggregate classification (germline): Pathogenic (1 of 4 stars; one submission).

Conditions:
Hereditary cancer-predisposing syndrome. Also called: Tumor predisposition; Hereditary neoplastic syndrome; Neoplastic Syndromes, Hereditary; Hereditary Cancer Syndrome. Identifiers: Orphanet 140162, MedGen C0027672, MeSH D009386, MONDO:0015356.

Allele frequency attached by ClinVar (database versions not stated): TOPMed below 0.00001.

Submission:

Labcorp Genetics (formerly Invitae), Labcorp
Classification: Pathogenic for Hereditary cancer-predisposing syndrome. Last evaluated: 2021-12-08. Review status: criteria provided, single submitter. Criteria: Invitae Variant Classification Sherloc (09022015). Collection method: clinical testing. Allele origin: germline.
Comment: For these reasons, this variant has been classified as Pathogenic. ClinVar contains an entry for this variant (Variation ID: 952985). This variant has not been reported in the literature in individuals affected with RAD50-related conditions. This variant is not present in population databases (gnomAD no frequency). This sequence change creates a premature translational stop signal (p.Leu210Glyfs*9) in the RAD50 gene. It is expected to result in an absent or disrupted protein product. Loss-of-function variants in RAD50 are known to be pathogenic (PMID: 19409520).

Literature cited by the submitters: PubMed 19409520.

NM_005732.4(RAD50):c.624_627dup (p.Leu210fs)

Gene: RAD50 (RAD50 double strand break repair protein; plus strand). Cytogenetic location: 5q31.1.
Variant type: Duplication.
Coding change: c.624_627dup on transcript NM_005732.4 (MANE Select); coding-DNA positions 624 to 627, 4 bases duplicated (GGAA; older notation c.624_627dupGGAA).
Protein change: p.Leu210fs; shifts the reading frame from leucine 210.
Molecular consequence: frameshift variant.
Genome position (GRCh38, 1-based): chr5:132,579,934-132,579,937, GGAA duplicated. VCF-style (leftmost placement, unchanged base first): chr5-132579933-T-TGGAA. GRCh37 (hg19) VCF-style: chr5-131915625-T-TGGAA.
Other names: short protein forms L210fs.
Identifiers: ClinVar variation 952985 (VCV000952985.8), dbSNP rs1252867357, ClinGen allele CA804019409.